The following is an entry in ClinVar:

ClinVar aggregate classification (germline): Pathogenic/Likely pathogenic. Review status: criteria provided, multiple submitters, no conflicts (2 of 4 stars). 2 submissions from 2 submitters: Pathogenic (1); Likely pathogenic (1). Last evaluated 2026-03-06.

Conditions:
C9-related disorder. Also called: C9-related condition.

Submissions (2):

PreventionGenetics, part of Exact Sciences
Classification: Likely pathogenic for C9-related condition. Last evaluated: 2026-03-06. Review status: criteria provided, single submitter. Criteria: ACMG Guidelines, 2015. Collection method: clinical testing. Allele origin: germline.
Comment: The C9 c.877delA variant is predicted to result in a frameshift and premature protein termination (p.Met293Cysfs*5). To our knowledge, this variant has not been reported in the literature. This variant is reported in 0.023% of alleles in individuals of Latino descent in gnomAD. Frameshift variants in C9 are expected to be pathogenic. This variant is interpreted as likely pathogenic.

Labcorp Genetics (formerly Invitae), Labcorp
Classification: Pathogenic. Last evaluated: 2025-09-30. Review status: criteria provided, single submitter. Criteria: Invitae Variant Classification Sherloc (09022015). Collection method: clinical testing. Allele origin: germline.
Comment: This sequence change creates a premature translational stop signal (p.Met293Cysfs*5) in the C9 gene. It is expected to result in an absent or disrupted protein product. Loss-of-function variants in C9 are known to be pathogenic (PMID: 9144525, 9570574). This variant is present in population databases (rs777158966, gnomAD 0.02%). This variant has not been reported in the literature in individuals affected with C9-related conditions. ClinVar contains an entry for this variant (Variation ID: 2178973). For these reasons, this variant has been classified as Pathogenic.

Literature cited by the submitters: PubMed 9144525 (cited by Labcorp Genetics (formerly Invitae), Labcorp); PubMed 9570574 (cited by Labcorp Genetics (formerly Invitae), Labcorp).

NM_001737.5(C9):c.877del (p.Met293fs)

Gene: C9 (complement C9; minus strand). Cytogenetic location: 5p13.1.
Variant type: Deletion.
Coding change: c.877del on transcript NM_001737.5 (MANE Select); coding-DNA position 877, one base deleted (A; older notation c.877delA).
Protein change: p.Met293fs; shifts the reading frame from methionine 293.
Molecular consequence: frameshift variant.
Genome position (GRCh38, 1-based): chr5:39,311,371, T deleted on the plus strand (A on the coding strand, the reverse complement: C9 is on the minus strand); the first of 6 consecutive T bases (chr5:39,311,371-39,311,376); deleting any one gives the same sequence. VCF-style (leftmost placement, unchanged base first): chr5-39311370-AT-A. GRCh37 (hg19) VCF-style: chr5-39311472-AT-A.
Other names: c.877delA (NM_001737.4); short protein forms M293fs.
Identifiers: ClinVar variation 2178973 (VCV002178973.6), dbSNP rs777158966, ClinGen allele CA3246857.